The following is an entry in ClinVar:

ClinVar aggregate classification (germline): Likely pathogenic (1 of 4 stars; one submission).

Conditions:
Usmani-Riazuddin syndrome, autosomal dominant (USRISD). Identifiers: MedGen C5561952, MONDO:0859174, OMIM 619467.

Submission:

Center for Human Genetics and Genomic Medicine, Uniklinik Rwth Aachen
Classification: Likely pathogenic for Usmani-Riazuddin syndrome, autosomal dominant. Last evaluated: 2024-02-27. Review status: criteria provided, single submitter. Criteria: ACMG Guidelines, 2015. Collection method: clinical testing. Allele origin: unknown. Inheritance: Autosomal dominant inheritance. Affected: yes. Observed: 1 heterozygote.
Comment: The detected change is not reported in the general population (gnomAD) (as of February 27, 2024). It has not yet been described in the ClinVar database or in the literature. The variant represents a frame shift with a subsequent stop codon. This usually leads to either premature termination of translation or a so-called “nonsense-mediated mRNA decay”. In both cases there is a loss of function of the protein. Intolerance to haploinsufficiency has been described as the pathomechanism for the gene under investigation. It is therefore very likely that it has a pathogenetic relevance. The variant is currently considered a “likely pathogenic variant” (ACMG criteria).

NM_001128.6(AP1G1):c.2039del (p.Gln680fs)

Gene: AP1G1 (adaptor related protein complex 1 subunit gamma 1; minus strand). Cytogenetic location: 16q22.2.
Variant type: Deletion.
Coding change: c.2039del on transcript NM_001128.6 (MANE Select); coding-DNA position 2039, one base deleted (A; older notation c.2039delA).
Protein change: p.Gln680fs; shifts the reading frame from glutamine 680.
Molecular consequence: frameshift variant.
Genome position (GRCh38, 1-based): chr16:71,739,302, T deleted on the plus strand (A on the coding strand, the reverse complement: AP1G1 is on the minus strand). VCF-style (leftmost placement, unchanged base first): chr16-71739301-CT-C. GRCh37 (hg19) VCF-style: chr16-71773204-CT-C.
Other names: c.2048del, p.Gln683fs (NM_001030007.2); short protein forms Q680fs, Q683fs.
Identifiers: ClinVar variation 3062338 (VCV003062338.2), dbSNP rs2543500655, ClinGen allele CA2740093421.